The following is an entry in ClinVar:

ClinVar aggregate classification (germline): Uncertain significance (1 of 4 stars; one submission).

Conditions:
Cardiovascular phenotype. Identifiers: MedGen CN230736.

Submission:

Ambry Genetics
Classification: Uncertain significance for Cardiovascular phenotype. Last evaluated: 2025-06-25. Review status: criteria provided, single submitter. Criteria: Ambry Variant Classification Scheme 2023. Collection method: clinical testing. Allele origin: germline.
Comment: The p.E2887K variant (also known as c.8659G>A), located in coding exon 59 of the RYR2 gene, results from a G to A substitution at nucleotide position 8659. The glutamic acid at codon 2887 is replaced by lysine, an amino acid with similar properties. This amino acid position is highly conserved in available vertebrate species. In addition, the in silico prediction for this alteration is inconclusive. Based on the available evidence, the clinical significance of this variant remains unclear.

NM_001035.3(RYR2):c.8659G>A (p.Glu2887Lys)

Gene: RYR2 (ryanodine receptor 2; plus strand). Cytogenetic location: 1q43.
Variant type: single nucleotide variant.
Coding change: c.8659G>A on transcript NM_001035.3 (MANE Select); coding-DNA position 8659, G replaced by A.
Protein change: p.Glu2887Lys; replaces glutamic acid 2887 with lysine.
Molecular consequence: missense variant.
Genome position (GRCh38, 1-based): chr1:237,674,164, G>A. VCF-style: chr1-237674164-G-A. GRCh37 (hg19) VCF-style: chr1-237837464-G-A.
Other names: short protein forms E2887K.
Identifiers: ClinVar variation 4158428 (VCV004158428.1).
Genomic context (GRCh38, chr1:237,674,164, plus strand): 5'-AACCATCCTCTGCTGGTGCCCTATGATACACTGACAGCCAAAGAGAAAGCCAAGGATAGA[G>A]AAAAAGCACAGGACATCCTCAAGTTCTTGCAGATCAATGGATATGCTGTATCCAGGTAAA-3'
Protein context (NP_001026.2, residues 2877-2897): LTAKEKAKDR[Glu2887Lys]KAQDILKFLQ